The following is an entry in ClinVar:

ClinVar aggregate classification (germline): Uncertain significance (1 of 4 stars; one submission).

Allele frequency attached by ClinVar (database versions not stated): gnomAD 0.00001; TOPMed 0.00001.
gnomAD v4.1: 6 of 1,613,912 alleles (0.00037%); highest among the groups gnomAD compares: African/African-American, 0.0027%; no homozygotes.

Submission:

Labcorp Genetics (formerly Invitae), Labcorp
Classification: Uncertain significance. Last evaluated: 2024-06-15. Review status: criteria provided, single submitter. Criteria: Invitae Variant Classification Sherloc (09022015). Collection method: clinical testing. Allele origin: germline.
Comment: This sequence change replaces arginine, which is basic and polar, with glutamine, which is neutral and polar, at codon 908 of the EMC1 protein (p.Arg908Gln). This variant is not present in population databases (gnomAD no frequency). This variant has not been reported in the literature in individuals affected with EMC1-related conditions. Advanced modeling of protein sequence and biophysical properties (such as structural, functional, and spatial information, amino acid conservation, physicochemical variation, residue mobility, and thermodynamic stability) performed at Invitae indicates that this missense variant is not expected to disrupt EMC1 protein function with a negative predictive value of 80%. In summary, the available evidence is currently insufficient to determine the role of this variant in disease. Therefore, it has been classified as a Variant of Uncertain Significance.

NM_015047.3(EMC1):c.2723G>A (p.Arg908Gln)

Genes: EMC1 (ER membrane protein complex subunit 1; minus strand), EMC1-AS1 (EMC1 antisense RNA 1; plus strand). Cytogenetic location: 1p36.13.
Variant type: single nucleotide variant.
Coding change: c.2723G>A on transcript NM_015047.3 (MANE Select); coding-DNA position 2723, G replaced by A.
Protein change: p.Arg908Gln; replaces arginine 908 with glutamine.
Molecular consequence: missense variant.
Genome position (GRCh38, 1-based): chr1:19,219,648, C>T on the plus strand (G>A on the coding strand, the complement: EMC1 is on the minus strand). VCF-style: chr1-19219648-C-T. GRCh37 (hg19) VCF-style: chr1-19546142-C-T.
Other names: c.2720G>A, p.Arg907Gln (NM_001271427.2, NM_001271428.2); c.2657G>A, p.Arg886Gln (NM_001271429.2); c.2732G>A, p.Arg911Gln (NM_001375820.1); c.2729G>A, p.Arg910Gln (NM_001375821.1); short protein forms R886Q, R910Q, R908Q, R911Q, R907Q.
Identifiers: ClinVar variation 2836976 (VCV002836976.3), dbSNP rs946570469, ClinGen allele CA18808352.